The following is an entry in ClinVar:

ClinVar aggregate classification (germline): Uncertain significance (1 of 4 stars; one submission).

Submission:

Labcorp Genetics (formerly Invitae), Labcorp
Classification: Uncertain significance. Last evaluated: 2025-09-10. Review status: criteria provided, single submitter. Criteria: Invitae Variant Classification Sherloc (09022015). Collection method: clinical testing. Allele origin: germline.
Comment: This sequence change replaces asparagine, which is neutral and polar, with isoleucine, which is neutral and non-polar, at codon 435 of the CYP4V2 protein (p.Asn435Ile). This variant is not present in population databases (gnomAD no frequency). This variant has not been reported in the literature in individuals affected with CYP4V2-related conditions. Invitae Evidence Modeling of protein sequence and biophysical properties (such as structural, functional, and spatial information, amino acid conservation, physicochemical variation, residue mobility, and thermodynamic stability) indicates that this missense variant is expected to disrupt CYP4V2 protein function with a positive predictive value of 80%. In summary, the available evidence is currently insufficient to determine the role of this variant in disease. Therefore, it has been classified as a Variant of Uncertain Significance.

NM_207352.4(CYP4V2):c.1304A>T (p.Asn435Ile)

Gene: CYP4V2 (cytochrome P450 family 4 subfamily V member 2; plus strand). Cytogenetic location: 4q35.2.
Variant type: single nucleotide variant.
Coding change: c.1304A>T on transcript NM_207352.4 (MANE Select); coding-DNA position 1304, A replaced by T.
Protein change: p.Asn435Ile; replaces asparagine 435 with isoleucine.
Molecular consequence: missense variant.
Genome position (GRCh38, 1-based): chr4:186,209,171, A>T. VCF-style: chr4-186209171-A-T. GRCh37 (hg19) VCF-style: chr4-187130325-A-T.
Other names: short protein forms N435I.
Identifiers: ClinVar variation 4700614 (VCV004700614.1).